The following is an entry in ClinVar:

ClinVar aggregate classification (germline): Uncertain significance. Review status: criteria provided, multiple submitters, no conflicts (2 of 4 stars). 2 submissions from 2 submitters: Uncertain significance (2). Last evaluated 2025-08-14.

Conditions:
Epidermolysis bullosa simplex 5B, with muscular dystrophy (EBS5B). Also called: Epidermolysis bullosa simplex with muscular dystrophy; EPIDERMOLYSIS BULLOSA SIMPLEX AND LIMB-GIRDLE MUSCULAR DYSTROPHY. Identifiers: Orphanet 257, MedGen C2931072, MONDO:0009181, OMIM 226670.
Epidermolysis bullosa simplex, Ogna type (EBS5A). Also called: EPIDERMOLYSIS BULLOSA SIMPLEX 5A, OGNA TYPE; Pidermolysis bullosa simplex 5A, Ogna type. Identifiers: Orphanet 79401, MedGen C0432317, MONDO:0007555, OMIM 131950.
Epidermolysis bullosa simplex 5C, with pyloric atresia (EBS5C). Also called: PLEC-Related Epidermolysis Bullosa with Pyloric Atresia; Epidermolysis bullosa simplex with pyloric atresia; PLEC1-Related Epidermolysis Bullosa with Pyloric Atresia. Identifiers: Orphanet 158684, MedGen C2677349, MONDO:0012807, OMIM 612138.
Epidermolysis bullosa simplex with nail dystrophy (EBS5D). Identifiers: MedGen C4225309, MONDO:0014661, OMIM 616487.
Autosomal recessive limb-girdle muscular dystrophy type 2Q (LGMDR17). Also called: MUSCULAR DYSTROPHY, LIMB-GIRDLE, AUTOSOMAL RECESSIVE 17. Identifiers: Orphanet 254361, MedGen C3150989, MONDO:0013390, OMIM 613723.

Allele frequency attached by ClinVar (database versions not stated): gnomAD exomes 0.00002; TOPMed 0.00003; ExAC 0.00005; gnomAD 0.00005.
gnomAD v4.1: 33 of 1,583,278 alleles (0.0021%); highest among the groups gnomAD compares: African/African-American, 0.004%; no homozygotes.

Submissions (2):

Labcorp Genetics (formerly Invitae), Labcorp
Classification: Uncertain significance for Autosomal recessive limb-girdle muscular dystrophy type 2Q; Epidermolysis bullosa simplex, Ogna type; Epidermolysis bullosa simplex with nail dystrophy; Epidermolysis bullosa simplex 5C, with pyloric atresia; Epidermolysis bullosa simplex 5B, with muscular dystrophy. Last evaluated: 2025-08-14. Review status: criteria provided, single submitter. Criteria: Invitae Variant Classification Sherloc (09022015). Collection method: clinical testing. Allele origin: germline.
Comment: This sequence change replaces alanine, which is neutral and non-polar, with valine, which is neutral and non-polar, at codon 1458 of the PLEC protein (p.Ala1458Val). This variant is present in population databases (rs782438706, gnomAD 0.01%). This variant has not been reported in the literature in individuals affected with PLEC-related conditions. ClinVar contains an entry for this variant (Variation ID: 1925247). Invitae Evidence Modeling of protein sequence and biophysical properties (such as structural, functional, and spatial information, amino acid conservation, physicochemical variation, residue mobility, and thermodynamic stability) indicates that this missense variant is not expected to disrupt PLEC protein function with a negative predictive value of 80%. In summary, the available evidence is currently insufficient to determine the role of this variant in disease. Therefore, it has been classified as a Variant of Uncertain Significance.

Revvity Omics, Revvity
Classification: Uncertain significance. Last evaluated: 2019-02-05. Review status: criteria provided, single submitter. Criteria: ACMG Guidelines, 2015. Collection method: clinical testing. Allele origin: germline.

NM_201384.3(PLEC):c.4292C>T (p.Ala1431Val)

Gene: PLEC (plectin; minus strand). Cytogenetic location: 8q24.3.
Variant type: single nucleotide variant.
Coding change: c.4292C>T on transcript NM_201384.3 (MANE Select); coding-DNA position 4292, C replaced by T.
Protein change: p.Ala1431Val; replaces alanine 1431 with valine.
Molecular consequence: missense variant.
Genome position (GRCh38, 1-based): chr8:143,925,637, G>A on the plus strand (C>T on the coding strand, the complement: PLEC is on the minus strand). VCF-style: chr8-143925637-G-A. GRCh37 (hg19) VCF-style: chr8-144999805-G-A.
Other names: c.4373C>T, p.Ala1458Val (NM_000445.5); c.4250C>T, p.Ala1417Val (NM_201378.4); c.4226C>T, p.Ala1409Val (NM_201379.3); c.4703C>T, p.Ala1568Val (NM_201380.4); c.4196C>T, p.Ala1399Val (NM_201381.3); c.4292C>T, p.Ala1431Val (NM_201382.4); c.4304C>T, p.Ala1435Val (NM_201383.3); short protein forms A1399V, A1409V, A1417V, A1431V, A1568V, A1435V, A1458V.
Identifiers: ClinVar variation 1925247 (VCV001925247.8), dbSNP rs782438706, ClinGen allele CA4926713.